The following is an entry in ClinVar:

NM_001077418.3(TMEM231):c.823A>G (p.Ser275Gly)

Gene: TMEM231 (transmembrane protein 231; minus strand). Cytogenetic location: 16q23.1.
Variant type: single nucleotide variant.
Coding change: c.823A>G on transcript NM_001077418.3 (MANE Select); coding-DNA position 823, A replaced by G.
Protein change: p.Ser275Gly; replaces serine 275 with glycine.
Molecular consequence: missense variant. On other transcripts: non-coding transcript variant (1).
Genome position (GRCh38, 1-based): chr16:75,540,122, T>C on the plus strand (A>G on the coding strand, the complement: TMEM231 is on the minus strand). VCF-style: chr16-75540122-T-C. GRCh37 (hg19) VCF-style: chr16-75574020-T-C.
Other names: c.982A>G, p.Ser328Gly (NM_001077416.2); short protein forms S275G, S328G.
Identifiers: ClinVar variation 2145398 (VCV002145398.1), dbSNP rs781046083, ClinGen allele CA8176012.

ClinVar aggregate classification (germline): Uncertain significance (1 of 4 stars; one submission).

Conditions:
Joubert syndrome 20 (JBTS20). Identifiers: Orphanet 475, MedGen C3554235, MONDO:0013994, OMIM 614970.
Meckel syndrome, type 11 (MKS11). Identifiers: Orphanet 564, MedGen C3809352, MONDO:0014164, OMIM 615397.

Allele frequency attached by ClinVar (database versions not stated): TOPMed below 0.00001; ExAC 0.00001; gnomAD 0.00001; gnomAD exomes 0.00001.
gnomAD v4.1: 4 of 1,613,756 alleles (0.00025%); highest among the groups gnomAD compares: Admixed American, 0.0067%; no homozygotes.

Submission:

Labcorp Genetics (formerly Invitae), Labcorp
Classification: Uncertain significance for Joubert syndrome 20; Meckel syndrome, type 11. Last evaluated: 2022-02-02. Review status: criteria provided, single submitter. Criteria: Invitae Variant Classification Sherloc (09022015). Collection method: clinical testing. Allele origin: germline.
Comment: This sequence change replaces serine, which is neutral and polar, with glycine, which is neutral and non-polar, at codon 328 of the TMEM231 protein (p.Ser328Gly). This variant is present in population databases (rs781046083, gnomAD 0.003%). This variant has not been reported in the literature in individuals affected with TMEM231-related conditions. Algorithms developed to predict the effect of missense changes on protein structure and function are either unavailable or do not agree on the potential impact of this missense change (SIFT: "Deleterious"; PolyPhen-2: "Not Available"; Align-GVGD: "Class C0"). In summary, the available evidence is currently insufficient to determine the role of this variant in disease. Therefore, it has been classified as a Variant of Uncertain Significance.